The following is an entry in ClinVar:

ClinVar aggregate classification (germline): Conflicting classifications of pathogenicity. Review status: criteria provided, conflicting classifications (1 of 4 stars). 4 submissions from 4 submitters: Uncertain significance (3); Likely benign (1). Last evaluated 2025-12-29.

Conditions:
Inborn genetic diseases. Identifiers: MedGen C0950123, MeSH D030342.
Larsen-like syndrome, B3GAT3 type. Also called: MULTIPLE JOINT DISLOCATIONS, SHORT STATURE, AND CRANIOFACIAL DYSMORPHISM WITH OR WITHOUT CONGENITAL HEART DEFECTS; Multiple joint dislocations, short stature, craniofacial dysmorphism, with or without congenital heart defects. Identifiers: Orphanet 284139, MedGen CN034159, MONDO:0009511, OMIM 245600.

Allele frequency attached by ClinVar (database versions not stated): 1000 Genomes Project 0.00080; TOPMed 0.00008; ESP Exome Variant Server 0.00015; 1000 Genomes Project 30x 0.00062.

Submissions (4):

Labcorp Genetics (formerly Invitae), Labcorp
Classification: Likely benign for Larsen-like syndrome, B3GAT3 type. Last evaluated: 2025-12-29. Review status: criteria provided, single submitter. Criteria: Invitae Variant Classification Sherloc (09022015). Collection method: clinical testing. Allele origin: germline.

Ambry Genetics
Classification: Uncertain significance for Inborn genetic diseases. Last evaluated: 2025-08-02. Review status: criteria provided, single submitter. Criteria: Ambry Variant Classification Scheme 2023. Collection method: clinical testing. Allele origin: germline.

GeneDx
Classification: Uncertain significance. Last evaluated: 2024-11-26. Review status: criteria provided, single submitter. Criteria: GeneDx Variant Classification Process June 2021. Collection method: clinical testing. Allele origin: germline. Affected: yes.
Comment: Has not been previously published as pathogenic or benign to our knowledge; In silico analysis supports that this missense variant has a deleterious effect on protein structure/function

CeGaT Center for Human Genetics Tuebingen
Classification: Uncertain significance. Last evaluated: 2023-09-01. Review status: criteria provided, single submitter. Criteria: CeGaT Center For Human Genetics Tuebingen Variant Classification Criteria Version 2. Collection method: clinical testing. Allele origin: germline. Affected: yes. Observed: 1 variant allele.
Comment: B3GAT3: PM2, BP4

NM_012200.4(B3GAT3):c.979C>T (p.Arg327Trp)

Gene: B3GAT3 (beta-1,3-glucuronyltransferase 3; minus strand). Cytogenetic location: 11q12.3.
Variant type: single nucleotide variant.
Coding change: c.979C>T on transcript NM_012200.4 (MANE Select); coding-DNA position 979, C replaced by T.
Protein change: p.Arg327Trp; replaces arginine 327 with tryptophan.
Molecular consequence: missense variant. On other transcripts: 3 prime UTR variant (2), non-coding transcript variant (1).
Genome position (GRCh38, 1-based): chr11:62,615,730, G>A on the plus strand (C>T on the coding strand, the complement: B3GAT3 is on the minus strand). VCF-style: chr11-62615730-G-A. GRCh37 (hg19) VCF-style: chr11-62383202-G-A.
Other names: c.958C>T, p.Arg320Trp (NM_001288721.2); c.*456C>T (NM_001288722.2); c.*472C>T (NM_001288723.2); short protein forms R320W, R327W.
Identifiers: ClinVar variation 1191405 (VCV001191405.36), dbSNP rs200511074, ClinGen allele CA6049938.